The following is an entry in ClinVar:

ClinVar aggregate classification (germline): Pathogenic (1 of 4 stars; one submission).

Conditions:
ALG1-congenital disorder of glycosylation. Also called: CONGENITAL DISORDER OF GLYCOSYLATION, TYPE Ik; CDG Ik; ALG1-CDG. Identifiers: Orphanet 79327, MedGen C2931005, MONDO:0012052, OMIM 608540.

Submission:

Labcorp Genetics (formerly Invitae), Labcorp
Classification: Pathogenic for ALG1-congenital disorder of glycosylation. Last evaluated: 2023-06-09. Review status: criteria provided, single submitter. Criteria: Invitae Variant Classification Sherloc (09022015). Collection method: clinical testing. Allele origin: unknown.
Comment: This variant has not been reported in the literature in individuals affected with ALG1-related conditions. For these reasons, this variant has been classified as Pathogenic. This variant is a gross deletion of the genomic region encompassing exon(s) 1 of the ALG1 gene, which includes the initiator codon. This deletion extends beyond the assayed region for this gene and therefore may encompass additional genes. It is expected to result in an absent or disrupted protein product. Loss-of-function variants in ALG1 are known to be pathogenic (PMID: 20679665, 23806237).

Literature cited by the submitters: PubMed 20679665; PubMed 23806237.

NC_000016.9:g.(?_5121851)_(5122078_?)del

Gene: ALG1 (ALG1 chitobiosyldiphosphodolichol beta-mannosyltransferase; plus strand). Cytogenetic location: 16p13.3.
Variant type: Deletion.
Identifiers: ClinVar variation 3243492 (VCV003243492.1).